The following is an entry in ClinVar:

ClinVar aggregate classification (germline): Uncertain significance (1 of 4 stars; one submission).

gnomAD v4.1: 6 of 1,590,872 alleles (0.00038%); highest among the groups gnomAD compares: Non-Finnish European, 0.00043%; no homozygotes.

Submission:

Labcorp Genetics (formerly Invitae), Labcorp
Classification: Uncertain significance. Last evaluated: 2024-09-09. Review status: criteria provided, single submitter. Criteria: Invitae Variant Classification Sherloc (09022015). Collection method: clinical testing. Allele origin: germline.
Comment: This sequence change replaces glutamic acid, which is acidic and polar, with valine, which is neutral and non-polar, at codon 2806 of the DCHS1 protein (p.Glu2806Val). The frequency data for this variant in the population databases is considered unreliable, as metrics indicate poor data quality at this position in the gnomAD database. This variant has not been reported in the literature in individuals affected with DCHS1-related conditions. Invitae Evidence Modeling of protein sequence and biophysical properties (such as structural, functional, and spatial information, amino acid conservation, physicochemical variation, residue mobility, and thermodynamic stability) indicates that this missense variant is expected to disrupt DCHS1 protein function with a positive predictive value of 80%. In summary, the available evidence is currently insufficient to determine the role of this variant in disease. Therefore, it has been classified as a Variant of Uncertain Significance.

NM_003737.4(DCHS1):c.8417A>T (p.Glu2806Val)

Gene: DCHS1 (dachsous cadherin-related 1; minus strand). Cytogenetic location: 11p15.4.
Variant type: single nucleotide variant.
Coding change: c.8417A>T on transcript NM_003737.4 (MANE Select); coding-DNA position 8417, A replaced by T.
Protein change: p.Glu2806Val; replaces glutamic acid 2806 with valine.
Molecular consequence: missense variant.
Genome position (GRCh38, 1-based): chr11:6,623,259, T>A on the plus strand (A>T on the coding strand, the complement: DCHS1 is on the minus strand). VCF-style: chr11-6623259-T-A. GRCh37 (hg19) VCF-style: chr11-6644490-T-A.
Other names: short protein forms E2806V.
Identifiers: ClinVar variation 3695353 (VCV003695353.2).
Genomic context (GRCh38, chr11:6,623,259, plus strand): 5'-GCACCTTCGGGCACTTGGAAGTGGAAAGCTGGTGCCAGAAATACAGGGTCATACTCATCC[T>A]CTCCAGTCACTAGCACCGACACAGTGACAGAGGCTGAGAGATTCCCAGCATCAGCAGCAC-3'
Protein context (NP_003728.1, residues 2796-2816): SVTVSVLVTG[Glu2806Val]DEYDPVFLAP